The following is an entry in ClinVar:

NM_013266.4(CTNNA3):c.2265+1del

Gene: CTNNA3 (catenin alpha 3; minus strand). Cytogenetic location: 10q21.3.
Variant type: Deletion.
Coding change: c.2265+1del on transcript NM_013266.4 (MANE Select); the canonical splice donor site of the intron after coding-DNA position 2265, one base deleted (G; older notation c.2265+1delG).
Molecular consequence: splice donor variant.
Genome position (GRCh38, 1-based): chr10:65,988,691, C deleted on the plus strand (G on the coding strand, the reverse complement: CTNNA3 is on the minus strand); the first of 2 consecutive C bases (chr10:65,988,691-65,988,692); deleting either gives the same sequence. VCF-style (leftmost placement, unchanged base first): chr10-65988690-AC-A. GRCh37 (hg19) VCF-style: chr10-67748448-AC-A.
Other names: c.2265+1del (NM_001127384.3).
Identifiers: ClinVar variation 1424251 (VCV001424251.7), dbSNP rs2078476986, ClinGen allele CA929352104.

ClinVar aggregate classification (germline): Uncertain significance. Review status: criteria provided, multiple submitters, no conflicts (2 of 4 stars). 2 submissions from 2 submitters: Uncertain significance (2). Last evaluated 2025-08-01.

Conditions:
Arrhythmogenic right ventricular dysplasia 13. Also called: ARRHYTHMOGENIC RIGHT VENTRICULAR CARDIOMYOPATHY 13; Arrhythmogenic right ventricular dysplasia, familial, 13. Identifiers: MedGen C3810138, MONDO:0000908, OMIM 615616.

Submissions (2):

Labcorp Genetics (formerly Invitae), Labcorp
Classification: Uncertain significance for Arrhythmogenic right ventricular dysplasia 13. Last evaluated: 2025-08-01. Review status: criteria provided, single submitter. Criteria: Invitae Variant Classification Sherloc (09022015). Collection method: clinical testing. Allele origin: germline.
Comment: This sequence change creates a premature translational stop signal (p.Gln755Hisfs*25) in the CTNNA3 gene. It is expected to result in an absent or disrupted protein product. However, the current clinical and genetic evidence is not sufficient to establish whether loss-of-function variants in CTNNA3 cause disease. This variant is not present in population databases (gnomAD no frequency). This variant has not been reported in the literature in individuals affected with CTNNA3-related conditions. This variant is also known as c.2265+1del. ClinVar contains an entry for this variant (Variation ID: 1424251). Algorithms developed to predict the effect of sequence changes on RNA splicing suggest that this variant may disrupt the consensus splice site. In summary, the available evidence is currently insufficient to determine the role of this variant in disease. Therefore, it has been classified as a Variant of Uncertain Significance.

Fulgent Genetics
Classification: Uncertain significance for Arrhythmogenic right ventricular dysplasia 13. Last evaluated: 2022-01-17. Review status: criteria provided, single submitter. Criteria: ACMG Guidelines, 2015. Collection method: clinical testing. Allele origin: unknown.